The following is an entry in ClinVar:

ClinVar aggregate classification (germline): Uncertain significance. Review status: criteria provided, multiple submitters, no conflicts (2 of 4 stars). 2 submissions from 2 submitters: Uncertain significance (2). Last evaluated 2025-10-30.

Conditions:
Inborn genetic diseases. Identifiers: MedGen C0950123, MeSH D030342.
Schuurs-Hoeijmakers syndrome. Also called: PACS1-Related Neurodevelopmental Disorder. Identifiers: Orphanet 329224, MedGen C3554343, MONDO:0014006, OMIM 615009.

Allele frequency attached by ClinVar (database versions not stated): gnomAD exomes 0.00001; gnomAD 0.00003; TOPMed 0.00002.
gnomAD v4.1: 16 of 1,614,078 alleles (0.00099%); highest among the groups gnomAD compares: Non-Finnish European, 0.0013%; no homozygotes.

Submissions (2):

Ambry Genetics
Classification: Uncertain significance for Inborn genetic diseases. Last evaluated: 2025-10-30. Review status: criteria provided, single submitter. Criteria: Ambry Variant Classification Scheme 2023. Collection method: clinical testing. Allele origin: germline.

Labcorp Genetics (formerly Invitae), Labcorp
Classification: Uncertain significance for Schuurs-Hoeijmakers syndrome. Last evaluated: 2023-08-16. Review status: criteria provided, single submitter. Criteria: Invitae Variant Classification Sherloc (09022015). Collection method: clinical testing. Allele origin: germline.
Comment: This sequence change replaces serine, which is neutral and polar, with leucine, which is neutral and non-polar, at codon 845 of the PACS1 protein (p.Ser845Leu). This variant is not present in population databases (gnomAD no frequency). This variant has not been reported in the literature in individuals affected with PACS1-related conditions. Advanced modeling of protein sequence and biophysical properties (such as structural, functional, and spatial information, amino acid conservation, physicochemical variation, residue mobility, and thermodynamic stability) performed at Invitae indicates that this missense variant is not expected to disrupt PACS1 protein function. In summary, the available evidence is currently insufficient to determine the role of this variant in disease. Therefore, it has been classified as a Variant of Uncertain Significance.

NM_018026.4(PACS1):c.2534C>T (p.Ser845Leu)

Gene: PACS1 (phosphofurin acidic cluster sorting protein 1; plus strand). Cytogenetic location: 11q13.2.
Variant type: single nucleotide variant.
Coding change: c.2534C>T on transcript NM_018026.4 (MANE Select); coding-DNA position 2534, C replaced by T.
Protein change: p.Ser845Leu; replaces serine 845 with leucine.
Molecular consequence: missense variant.
Genome position (GRCh38, 1-based): chr11:66,241,531, C>T. VCF-style: chr11-66241531-C-T. GRCh37 (hg19) VCF-style: chr11-66009002-C-T.
Other names: c.2534C>T (NM_018026.2); short protein forms S845L.
Identifiers: ClinVar variation 2731510 (VCV002731510.4), dbSNP rs1007312717, ClinGen allele CA224039503.